The following is an entry in ClinVar:

NM_005422.4(TECTA):c.4784del (p.Asp1595fs)

Genes: TBCEL-TECTA (TBCEL-TECTA readthrough; plus strand), TECTA (tectorin alpha; plus strand). Cytogenetic location: 11q23.3.
Variant type: Deletion.
Coding change: c.4784del on transcript NM_005422.4 (MANE Select); coding-DNA position 4784, one base deleted (A; older notation c.4784delA).
Protein change: p.Asp1595fs; shifts the reading frame from aspartic acid 1595.
Molecular consequence: frameshift variant.
Genome position (GRCh38, 1-based): chr11:121,160,229, A deleted. VCF-style (leftmost placement, unchanged base first): chr11-121160228-GA-G. GRCh37 (hg19) VCF-style: chr11-121030937-GA-G.
Other names: c.5741del, p.Asp1914fs (NM_001378761.1); short protein forms D1914fs, D1595fs.
Identifiers: ClinVar variation 3713543 (VCV003713543.2).
Genomic context (GRCh38, chr11:121,160,228, plus strand): 5'-ACTGGTTTGGCAACCAAAATCTACAGCAGTGAGGGGTTTCTGGTGATTGACACCAGCCCA[GA>G]CATCCAGATATACTACAATGGTTTCAACGTCATTAAAATCAGCATCAGCGAGAGGCTGCA-3'

ClinVar aggregate classification (germline): Pathogenic (1 of 4 stars; one submission).

Submission:

Labcorp Genetics (formerly Invitae), Labcorp
Classification: Pathogenic. Last evaluated: 2025-12-03. Review status: criteria provided, single submitter. Criteria: Invitae Variant Classification Sherloc (09022015). Collection method: clinical testing. Allele origin: germline.
Comment: This sequence change creates a premature translational stop signal (p.Asp1595Alafs*35) in the TECTA gene. It is expected to result in an absent or disrupted protein product. Loss-of-function variants in TECTA are known to be pathogenic (PMID: 11087000, 12746400, 17431902, 24130743). This variant is present in population databases (no rsID available, gnomAD 0.003%). This variant has not been reported in the literature in individuals affected with TECTA-related conditions. ClinVar contains an entry for this variant (Variation ID: 3713543). For these reasons, this variant has been classified as Pathogenic.

Literature cited by the submitters: PubMed 11087000; PubMed 12746400; PubMed 17431902; PubMed 24130743.